The following is an entry in ClinVar:

ClinVar aggregate classification (germline): Conflicting classifications of pathogenicity. Review status: criteria provided, conflicting classifications (1 of 4 stars). 4 submissions from 4 submitters: Uncertain significance (3); Likely benign (1). Last evaluated 2025-08-17.

Conditions:
Tuberous sclerosis syndrome (TSC). Also called: Tuberous sclerosis; Tuberous Sclerosis Complex. Identifiers: Orphanet 805, MedGen C0041341, MONDO:0001734.
Tuberous sclerosis 1 (TSC1). Identifiers: Orphanet 805, MedGen C1854465, MONDO:0008612, OMIM 191100.
Hereditary cancer-predisposing syndrome. Also called: Hereditary Cancer Syndrome; Tumor predisposition; Hereditary neoplastic syndrome; Neoplastic Syndromes, Hereditary. Identifiers: Orphanet 140162, MedGen C0027672, MeSH D009386, MONDO:0015356.

Submissions (4):

Labcorp Genetics (formerly Invitae), Labcorp
Classification: Uncertain significance for Tuberous sclerosis 1. Last evaluated: 2025-08-17. Review status: criteria provided, single submitter. Criteria: Invitae Variant Classification Sherloc (09022015). Collection method: clinical testing. Allele origin: germline.
Comment: This sequence change replaces alanine, which is neutral and non-polar, with valine, which is neutral and non-polar, at codon 944 of the TSC1 protein (p.Ala944Val). This variant is not present in population databases (gnomAD no frequency). This variant has not been reported in the literature in individuals affected with TSC1-related conditions. ClinVar contains an entry for this variant (Variation ID: 3020658). Invitae Evidence Modeling of protein sequence and biophysical properties (such as structural, functional, and spatial information, amino acid conservation, physicochemical variation, residue mobility, and thermodynamic stability) indicates that this missense variant is not expected to disrupt TSC1 protein function with a negative predictive value of 95%. In summary, the available evidence is currently insufficient to determine the role of this variant in disease. Therefore, it has been classified as a Variant of Uncertain Significance.

GeneDx
Classification: Uncertain significance. Last evaluated: 2025-04-18. Review status: criteria provided, single submitter. Criteria: GeneDx Variant Classification Process June 2021. Collection method: clinical testing. Allele origin: germline. Affected: yes.
Comment: Not observed at significant frequency in large population cohorts (gnomAD); In silico analysis indicates that this missense variant does not alter protein structure/function; Has not been previously published as pathogenic or benign to our knowledge; This variant is associated with the following publications: (PMID: 18466115)

Ambry Genetics
Classification: Likely benign for Hereditary cancer-predisposing syndrome. Last evaluated: 2025-03-17. Review status: criteria provided, single submitter. Criteria: Ambry Variant Classification Scheme 2023. Collection method: clinical testing. Allele origin: germline.

All of Us Research Program, National Institutes of Health
Classification: Uncertain significance for Tuberous sclerosis syndrome. Last evaluated: 2023-10-06. Review status: criteria provided, single submitter. Criteria: ACMG Guidelines, 2015. Collection method: clinical testing. Allele origin: germline. Inheritance: Autosomal dominant inheritance. Observed: 2 variant alleles, 2 heterozygotes.
Comment: This missense variant replaces alanine with valine at codon 944 of the TSC1 protein. Computational prediction suggests that this variant may not impact protein structure and function (internally defined REVEL score threshold <= 0.5, PMID: 27666373). To our knowledge, functional studies have not been reported for this variant. This variant has not been reported in individuals affected with TSC1-related disorders in the literature. This variant has not been identified in the general population by the Genome Aggregation Database (gnomAD). The available evidence is insufficient to determine the role of this variant in disease conclusively. Therefore, this variant is classified as a Variant of Uncertain Significance.

This study involves interpretation of variants in research participants for the purpose of population health screening. Participant phenotype was not available at the time of variant classification. Additional details can be found in publication PMID: 35346344, PMCID: PMC8962531

NM_000368.5(TSC1):c.2831C>T (p.Ala944Val)

Gene: TSC1 (TSC complex subunit 1; minus strand). Cytogenetic location: 9q34.13.
Variant type: single nucleotide variant.
Coding change: c.2831C>T on transcript NM_000368.5 (MANE Select); coding-DNA position 2831, C replaced by T.
Protein change: p.Ala944Val; replaces alanine 944 with valine.
Molecular consequence: missense variant. On other transcripts: non-coding transcript variant (5).
Genome position (GRCh38, 1-based): chr9:132,897,328, G>A on the plus strand (C>T on the coding strand, the complement: TSC1 is on the minus strand). VCF-style: chr9-132897328-G-A. GRCh37 (hg19) VCF-style: chr9-135772715-G-A.
Other names: c.2786C>T, p.Ala929Val (NM_001406608.1, NM_001406609.1); c.2678C>T, p.Ala893Val (NM_001406610.1, NM_001162427.2); c.2675C>T, p.Ala892Val (NM_001406611.1, NM_001406612.1); c.2633C>T, p.Ala878Val (NM_001406613.1); c.2468C>T, p.Ala823Val (NM_001406614.1, NM_001406615.1, NM_001406616.1 and 4 more transcripts); c.2465C>T, p.Ala822Val (NM_001406620.1, NM_001406621.1, NM_001406622.1 and 1 more transcripts); c.2426C>T, p.Ala809Val (NM_001406624.1); c.2423C>T, p.Ala808Val (NM_001406625.1); and 8 more; short protein forms A593V, A823V, A944V, A808V, A822V, A892V, A938V, A939V.
Identifiers: ClinVar variation 3020658 (VCV003020658.6), dbSNP rs2131628148, ClinGen allele CA375368915.